The following is an entry in ClinVar:

NM_001283009.2(RTEL1):c.1088G>C (p.Gly363Ala)

Genes: RTEL1 (regulator of telomere elongation helicase 1; plus strand), RTEL1-TNFRSF6B (RTEL1-TNFRSF6B readthrough (NMD candidate); plus strand). Cytogenetic location: 20q13.33.
Variant type: single nucleotide variant.
Coding change: c.1088G>C on transcript NM_001283009.2 (MANE Select); coding-DNA position 1088, G replaced by C.
Protein change: p.Gly363Ala; replaces glycine 363 with alanine.
Molecular consequence: missense variant. On other transcripts: non-coding transcript variant (1).
Genome position (GRCh38, 1-based): chr20:63,679,899, G>C. VCF-style: chr20-63679899-G-C. GRCh37 (hg19) VCF-style: chr20-62311252-G-C.
Other names: c.419G>C, p.Gly140Ala (NM_001283010.1); c.1088G>C, p.Gly363Ala (NM_016434.4); c.1160G>C, p.Gly387Ala (NM_032957.5); short protein forms G387A, G363A, G140A.
Identifiers: ClinVar variation 3435980 (VCV003435980.1).

ClinVar aggregate classification (germline): Uncertain significance (1 of 4 stars; one submission).

Conditions:
Inborn genetic diseases. Identifiers: MedGen C0950123, MeSH D030342.

gnomAD v4.1: 13 of 1,612,386 alleles (0.00081%); highest among the groups gnomAD compares: Non-Finnish European, 0.0011%; no homozygotes.

Submission:

Ambry Genetics
Classification: Uncertain significance for Inborn genetic diseases. Last evaluated: 2024-11-26. Review status: criteria provided, single submitter. Criteria: Ambry Variant Classification Scheme 2023. Collection method: clinical testing. Allele origin: germline.
Comment: The p.G363A variant (also known as c.1088G>C), located in coding exon 12 of the RTEL1 gene, results from a G to C substitution at nucleotide position 1088. The glycine at codon 363 is replaced by alanine, an amino acid with similar properties. This amino acid position is conserved. In addition, this alteration is predicted to be tolerated by in silico analysis. Based on the available evidence, the clinical significance of this variant remains unclear.